The following is an entry in ClinVar:

ClinVar aggregate classification (germline): Uncertain significance (1 of 4 stars; one submission).

Conditions:
Combined oxidative phosphorylation defect type 14. Also called: Combined oxidative phosphorylation deficiency 14. Identifiers: Orphanet 319519, MedGen C4755312, MONDO:0013986, OMIM 614946.

Allele frequency attached by ClinVar (database versions not stated): TOPMed below 0.00001.

Submission:

Labcorp Genetics (formerly Invitae), Labcorp
Classification: Uncertain significance for Combined oxidative phosphorylation defect type 14. Last evaluated: 2021-01-11. Review status: criteria provided, single submitter. Criteria: Invitae Variant Classification Sherloc (09022015). Collection method: clinical testing. Allele origin: germline.
Comment: This variant is not present in population databases (ExAC no frequency). In summary, the available evidence is currently insufficient to determine the role of this variant in disease. Therefore, it has been classified as a Variant of Uncertain Significance. Algorithms developed to predict the effect of missense changes on protein structure and function are either unavailable or do not agree on the potential impact of this missense change (SIFT: "Tolerated"; PolyPhen-2: "Possibly Damaging"; Align-GVGD: "Class C0"). This variant has not been reported in the literature in individuals with FARS2-related conditions. This sequence change replaces valine with alanine at codon 430 of the FARS2 protein (p.Val430Ala). The valine residue is moderately conserved and there is a small physicochemical difference between valine and alanine.

NM_006567.5(FARS2):c.1289T>C (p.Val430Ala)

Gene: FARS2 (phenylalanyl-tRNA synthetase 2, mitochondrial; plus strand). Cytogenetic location: 6p25.1.
Variant type: single nucleotide variant.
Coding change: c.1289T>C on transcript NM_006567.5 (MANE Select); coding-DNA position 1289, T replaced by C.
Protein change: p.Val430Ala; replaces valine 430 with alanine.
Molecular consequence: missense variant.
Genome position (GRCh38, 1-based): chr6:5,771,362, T>C. VCF-style: chr6-5771362-T-C. GRCh37 (hg19) VCF-style: chr6-5771595-T-C.
Other names: c.1289T>C, p.Val430Ala (NM_001318872.2, NM_001374875.1, NM_001374876.1 and 4 more transcripts); c.1157T>C, p.Val386Ala (NM_001375258.1); c.593T>C, p.Val198Ala (NM_001375259.1, NM_001375260.1); short protein forms V386A, V198A, V430A.
Identifiers: ClinVar variation 1480861 (VCV001480861.8), dbSNP rs1763040456, ClinGen allele CA362737422.